The following is an entry in ClinVar:

NM_001369.3(DNAH5):c.13491+8C>A

Gene: DNAH5 (dynein axonemal heavy chain 5; minus strand). Cytogenetic location: 5p15.2.
Variant type: single nucleotide variant.
Coding change: c.13491+8C>A on transcript NM_001369.3 (MANE Select); 8 bases into the intron after coding-DNA position 13491, C replaced by A.
Molecular consequence: intron variant.
Genome position (GRCh38, 1-based): chr5:13,701,276, G>T on the plus strand (C>A on the coding strand, the complement: DNAH5 is on the minus strand). VCF-style: chr5-13701276-G-T. GRCh37 (hg19) VCF-style: chr5-13701385-G-T.
Identifiers: ClinVar variation 2497681 (VCV002497681.4), dbSNP rs1742074967, ClinGen allele CA2578269570.
Genomic context (GRCh38, chr5:13,701,276, plus strand): 5'-CTATAATGATGGAAAATCCTGTGGAGGAAAATTATAATAACGCAACGGGTGCAAATCAGA[G>T]CTCTTACCTGTCGCATTGCAGTTAAAAATCCCTGGGGGTTAAAAAAACCCGTCATCCAAA-3'

ClinVar aggregate classification (germline): Conflicting classifications of pathogenicity. Review status: criteria provided, conflicting classifications (1 of 4 stars). 2 submissions from 2 submitters: Uncertain significance (1); Likely benign (1). Last evaluated 2024-01-31.

Conditions:
Primary ciliary dyskinesia. Also called: Ciliary dyskinesia. Identifiers: Orphanet 244, MedGen C0008780, MONDO:0016575, HP:0012265.
Primary ciliary dyskinesia 3. Identifiers: Orphanet 244, MedGen C1837618, MONDO:0012085, OMIM 608644.

gnomAD v4.1: 1 of 1,613,930 alleles (0.000062%); no homozygotes.

Submissions (2):

Labcorp Genetics (formerly Invitae), Labcorp
Classification: Likely benign for Primary ciliary dyskinesia. Last evaluated: 2024-01-31. Review status: criteria provided, single submitter. Criteria: Invitae Variant Classification Sherloc (09022015). Collection method: clinical testing. Allele origin: germline.

Department of Human Genetics, Hannover Medical School
Classification: Uncertain significance for Primary ciliary dyskinesia 3. Last evaluated: 2023-04-11. Review status: criteria provided, single submitter. Criteria: ACMG Guidelines, 2015. Collection method: clinical testing. Allele origin: germline. Affected: yes.
Comment: This alteration is located in the donor splice site region of the intron in question and the selected mRNA splicing prediction programs give no indication of an altered splicing pattern. The variant is currently not known in the ClinVar and LOVD variant databases or in the literature. It is also not listed in the population database gnomAD. A final evaluation of this variant in the DNAH5 gene is currently not possible based on the available data.